The following is an entry in ClinVar:

ClinVar aggregate classification (germline): Uncertain significance. Review status: criteria provided, multiple submitters, no conflicts (2 of 4 stars). 2 submissions from 2 submitters: Uncertain significance (2). Last evaluated 2026-03-01.

Conditions:
Severe combined immunodeficiency due to DNA-PKcs deficiency. Also called: IMMUNODEFICIENCY 26 WITH NEUROLOGIC ABNORMALITIES; Immunodeficiency 26 with or without neurologic abnormalities. Identifiers: Orphanet 317425, MedGen C4014833, MONDO:0014423, OMIM 615966.

Allele frequency attached by ClinVar (database versions not stated): TOPMed 0.00001.
gnomAD v4.1: 6 of 1,611,500 alleles (0.00037%); highest among the groups gnomAD compares: South Asian, 0.0011%; no homozygotes.

Submissions (2):

CeGaT Center for Human Genetics Tuebingen
Classification: Uncertain significance. Last evaluated: 2026-03-01. Review status: criteria provided, single submitter. Criteria: CeGaT Center For Human Genetics Tuebingen Variant Classification Criteria Version 2. Collection method: clinical testing. Allele origin: germline. Affected: yes. Observed: 1 variant allele.
Comment: PRKDC: PM2, BP4

Labcorp Genetics (formerly Invitae), Labcorp
Classification: Uncertain significance for Severe combined immunodeficiency due to DNA-PKcs deficiency. Last evaluated: 2025-01-06. Review status: criteria provided, single submitter. Criteria: Invitae Variant Classification Sherloc (09022015). Collection method: clinical testing. Allele origin: germline.
Comment: This sequence change replaces arginine, which is basic and polar, with histidine, which is basic and polar, at codon 2628 of the PRKDC protein (p.Arg2628His). This variant is present in population databases (rs572835600, gnomAD 0.003%). This variant has not been reported in the literature in individuals affected with PRKDC-related conditions. ClinVar contains an entry for this variant (Variation ID: 950013). Invitae Evidence Modeling of protein sequence and biophysical properties (such as structural, functional, and spatial information, amino acid conservation, physicochemical variation, residue mobility, and thermodynamic stability) has been performed for this missense variant. However, the output from this modeling did not meet the statistical confidence thresholds required to predict the impact of this variant on PRKDC protein function. In summary, the available evidence is currently insufficient to determine the role of this variant in disease. Therefore, it has been classified as a Variant of Uncertain Significance.

NM_006904.7(PRKDC):c.7883G>A (p.Arg2628His)

Gene: PRKDC (protein kinase, DNA-activated, catalytic subunit; minus strand). Cytogenetic location: 8q11.21.
Variant type: single nucleotide variant.
Coding change: c.7883G>A on transcript NM_006904.7 (MANE Select); coding-DNA position 7883, G replaced by A.
Protein change: p.Arg2628His; replaces arginine 2628 with histidine.
Molecular consequence: missense variant.
Genome position (GRCh38, 1-based): chr8:47,836,406, C>T on the plus strand (G>A on the coding strand, the complement: PRKDC is on the minus strand). VCF-style: chr8-47836406-C-T. GRCh37 (hg19) VCF-style: chr8-48748967-C-T.
Other names: c.7883G>A, p.Arg2628His (NM_001081640.2); short protein forms R2628H.
Identifiers: ClinVar variation 950013 (VCV000950013.11), dbSNP rs572835600, ClinGen allele CA4739998.